The following is an entry in ClinVar:

ClinVar aggregate classification (germline): Uncertain significance (1 of 4 stars; one submission).

Conditions:
Progressive myoclonic epilepsy type 9. Identifiers: Orphanet 457265, MedGen C4225289, MONDO:0014685, OMIM 616540.
Lipodystrophy, partial, acquired, susceptibility to (APLD). Also called: APLD, SUSCEPTIBILITY TO. Identifiers: MedGen C3887501, MONDO:0100476, OMIM 608709.

Allele frequency attached by ClinVar (database versions not stated): ExAC 0.00002; TOPMed 0.00002.

Submission:

Labcorp Genetics (formerly Invitae), Labcorp
Classification: Uncertain significance for Progressive myoclonic epilepsy type 9; Lipodystrophy, partial, acquired, susceptibility to. Last evaluated: 2023-02-02. Review status: criteria provided, single submitter. Criteria: Invitae Variant Classification Sherloc (09022015). Collection method: clinical testing. Allele origin: germline.
Comment: This sequence change replaces glutamic acid, which is acidic and polar, with aspartic acid, which is acidic and polar, at codon 585 of the LMNB2 protein (p.Glu585Asp). This variant is present in population databases (rs762549550, gnomAD 0.002%). This variant has not been reported in the literature in individuals affected with LMNB2-related conditions. Algorithms developed to predict the effect of missense changes on protein structure and function (SIFT, PolyPhen-2, Align-GVGD) all suggest that this variant is likely to be tolerated. In summary, the available evidence is currently insufficient to determine the role of this variant in disease. Therefore, it has been classified as a Variant of Uncertain Significance.

NM_032737.4(LMNB2):c.1755G>C (p.Glu585Asp)

Gene: LMNB2 (lamin B2; minus strand). Cytogenetic location: 19p13.3.
Variant type: single nucleotide variant.
Coding change: c.1755G>C on transcript NM_032737.4 (MANE Select); coding-DNA position 1755, G replaced by C.
Protein change: p.Glu585Asp; replaces glutamic acid 585 with aspartic acid.
Molecular consequence: missense variant.
Genome position (GRCh38, 1-based): chr19:2,431,614, C>G on the plus strand (G>C on the coding strand, the complement: LMNB2 is on the minus strand). VCF-style: chr19-2431614-C-G. GRCh37 (hg19) VCF-style: chr19-2431612-C-G.
Other names: short protein forms E585D.
Identifiers: ClinVar variation 2936040 (VCV002936040.3), dbSNP rs762549550, ClinGen allele CA9067312.